The following is an entry in ClinVar:

ClinVar aggregate classification (germline): Uncertain significance (1 of 4 stars; one submission).

Submission:

GeneDx
Classification: Uncertain significance. Last evaluated: 2026-03-25. Review status: criteria provided, single submitter. Criteria: GeneDx Variant Classification Process June 2021. Collection method: clinical testing. Allele origin: germline.
Comment: Not observed at significant frequency in large population cohorts (gnomAD); In silico analysis supports that this missense variant has a deleterious effect on protein structure/function; Has not been previously published as pathogenic or benign to our knowledge

NM_001190274.2(FBXO11):c.2510A>G (p.Tyr837Cys)

Genes: FBXO11 (F-box protein 11; minus strand), MSH6 (mutS homolog 6; plus strand). Cytogenetic location: 2p16.3.
Variant type: single nucleotide variant.
Coding change: c.2510A>G on transcript NM_001190274.2 (MANE Select); coding-DNA position 2510, A replaced by G.
Protein change: p.Tyr837Cys; replaces tyrosine 837 with cysteine.
Molecular consequence: missense variant. On other transcripts: intron variant (6).
Genome position (GRCh38, 1-based): chr2:47,809,203, T>C on the plus strand (A>G on the coding strand, the complement: FBXO11 is on the minus strand). VCF-style: chr2-47809203-T-C. GRCh37 (hg19) VCF-style: chr2-48036342-T-C.
Other names: c.2258A>G, p.Tyr753Cys (NM_001374325.1, NM_025133.4); c.*44-796T>C (NM_001406809.1); c.*41-796T>C (NM_001406796.1, NM_001406811.1, NM_001406805.1 and 2 more transcripts); short protein forms Y753C, Y837C.
Identifiers: ClinVar variation 5017148 (VCV005017148.1).